The following is an entry in ClinVar:

NM_001100913.3(PACS2):c.1413+7del

Gene: PACS2 (phosphofurin acidic cluster sorting protein 2; plus strand). Cytogenetic location: 14q32.33.
Variant type: Deletion.
Coding change: c.1413+7del on transcript NM_001100913.3 (MANE Select); 7 bases into the intron after coding-DNA position 1413, one base deleted (G; older notation c.1413+7delG).
Molecular consequence: intron variant.
Genome position (GRCh38, 1-based): chr14:105,382,065, G deleted; the last of 5 consecutive G bases (chr14:105,382,061-105,382,065); deleting any one gives the same sequence. VCF-style (leftmost placement, unchanged base first): chr14-105382060-TG-T. GRCh37 (hg19) VCF-style: chr14-105848397-TG-T.
Other names: p.?; c.1176+19del (NM_001243127.3); c.1401+19del (NM_015197.4); c.1413+7delG (NM_001100913.2).
Identifiers: ClinVar variation 1594810 (VCV001594810.11), dbSNP rs112632153, ClinGen allele CA7388798.

ClinVar aggregate classification (germline): Benign. Review status: criteria provided, multiple submitters, no conflicts (2 of 4 stars). 3 submissions from 3 submitters: Benign (2). 1 of the submissions does not count toward it. Last evaluated 2026-02-03.

Conditions:
PACS2-related disorder. Also called: PACS2-related condition.

Submissions (3):

Labcorp Genetics (formerly Invitae), Labcorp
Classification: Benign. Last evaluated: 2026-02-03. Review status: criteria provided, single submitter. Criteria: Invitae Variant Classification Sherloc (09022015). Collection method: clinical testing. Allele origin: germline.

Mayo Clinic Laboratories, Mayo Clinic
Classification: Benign. Last evaluated: 2022-07-08. Review status: criteria provided, single submitter. Criteria: ACMG Guidelines, 2015. Collection method: clinical testing. Allele origin: germline. Observed: 17 variant alleles.

PreventionGenetics, part of Exact Sciences
Classification: Benign for PACS2-related condition. Last evaluated: 2019-04-29. Review status: no assertion criteria provided. Collection method: clinical testing. Allele origin: germline. Not counted in ClinVar's aggregate classification.
Comment: This variant is classified as benign based on ACMG/AMP sequence variant interpretation guidelines (Richards et al. 2015 PMID: 25741868, with internal and published modifications).